The following is an entry in ClinVar:

ClinVar aggregate classification (germline): Pathogenic (1 of 4 stars; one submission).

Conditions:
Hereditary cancer-predisposing syndrome. Also called: Neoplastic Syndromes, Hereditary; Tumor predisposition; Hereditary Cancer Syndrome; Hereditary neoplastic syndrome. Identifiers: Orphanet 140162, MedGen C0027672, MeSH D009386, MONDO:0015356.

Submission:

Ambry Genetics
Classification: Pathogenic for Hereditary cancer-predisposing syndrome. Last evaluated: 2021-06-11. Review status: criteria provided, single submitter. Criteria: Ambry Variant Classification Scheme 2023. Collection method: clinical testing. Allele origin: germline.
Comment: The p.S1246* pathogenic mutation (also known as c.3737C>A), located in coding exon 8 of the MSH6 gene, results from a C to A substitution at nucleotide position 3737. This changes the amino acid from a serine to a stop codon within coding exon 8. This alteration is expected to result in loss of function by premature protein truncation or nonsense-mediated mRNA decay. As such, this alteration is interpreted as a disease-causing mutation.

NM_000179.3(MSH6):c.3737C>A (p.Ser1246Ter)

Gene: MSH6 (mutS homolog 6; plus strand). Cytogenetic location: 2p16.3.
Variant type: single nucleotide variant.
Coding change: c.3737C>A on transcript NM_000179.3 (MANE Select); coding-DNA position 3737, C replaced by A.
Protein change: p.Ser1246Ter; replaces serine 1246 with a stop codon.
Molecular consequence: nonsense.
Genome position (GRCh38, 1-based): chr2:47,806,294, C>A. VCF-style: chr2-47806294-C-A. GRCh37 (hg19) VCF-style: chr2-48033433-C-A.
Other names: c.3347C>A, p.Ser1116Ter (NM_001281492.2); c.2831C>A, p.Ser944Ter (NM_001281493.2, NM_001281494.2, NM_001406811.1 and 6 more transcripts); c.3833C>A, p.Ser1278Ter (NM_001406795.1, NM_001406802.1); c.3737C>A, p.Ser1246Ter (NM_001406796.1, NM_001406800.1, NM_001406808.1 and 1 more transcripts); c.3440C>A, p.Ser1147Ter (NM_001406797.1, NM_001406801.1, NM_001406805.1 and 10 more transcripts); c.3563C>A, p.Ser1188Ter (NM_001406798.1); c.3212C>A, p.Ser1071Ter (NM_001406799.1, NM_001406806.1, NM_001406807.1); c.2873C>A, p.Ser958Ter (NM_001406803.1); and 7 more; short protein forms S1147*, S561*, S1246*, S1188*, S1071*, S1116*, S1190*, S1220*.
Identifiers: ClinVar variation 1734432 (VCV001734432.2), dbSNP rs2104542818, ClinGen allele CA346761049.